The following is an entry in ClinVar:

NM_170707.4(LMNA):c.1110C>G (p.Asp370Glu)

Gene: LMNA (lamin A/C; plus strand). Cytogenetic location: 1q22.
Variant type: single nucleotide variant.
Coding change: c.1110C>G on transcript NM_170707.4 (MANE Select); coding-DNA position 1110, C replaced by G.
Protein change: p.Asp370Glu; replaces aspartic acid 370 with glutamic acid.
Molecular consequence: missense variant.
Genome position (GRCh38, 1-based): chr1:156,136,074, C>G. VCF-style: chr1-156136074-C-G. GRCh37 (hg19) VCF-style: chr1-156105865-C-G.
Other names: c.774C>G, p.Asp258Glu (NM_001257374.3); c.867C>G, p.Asp289Glu (NM_001282624.2); c.1110C>G, p.Asp370Glu (NM_001282625.2, NM_001282626.2, NM_005572.4 and 1 more transcripts); short protein forms D370E, D258E, D289E.
Identifiers: ClinVar variation 228270 (VCV000228270.4), dbSNP rs876657649, ClinGen allele CA10576367.

ClinVar aggregate classification (germline): Likely pathogenic (1 of 4 stars; one submission).

Conditions:
Laminopathy. Also called: Laminopathies. Identifiers: Orphanet 98301, MedGen C5392094, MONDO:0021106.

Submission:

Laboratory for Molecular Medicine, Mass General Brigham Personalized Medicine
Classification: Likely pathogenic for Laminopathy. Last evaluated: 2015-11-11. Review status: criteria provided, single submitter. Criteria: LMM Criteria. Collection method: clinical testing. Allele origin: germline. Observed: 1 variant allele.
Comment: T his variant was absent from large population studies. Computational prediction t ools and conservation analysis suggest that this variant may impact the protein, though this information is not predictive enough to determine pathogenicity. In summary, although additional studies are required to fully establish its clinic al significance, the p.Asp370Glu variant is likely pathogenic.